The following is an entry in ClinVar:

NM_001354604.2(MITF):c.1424C>A (p.Thr475Lys)

Gene: MITF (melanocyte inducing transcription factor; plus strand). Cytogenetic location: 3p13.
Variant type: single nucleotide variant.
Coding change: c.1424C>A on transcript NM_001354604.2 (MANE Select); coding-DNA position 1424, C replaced by A.
Protein change: p.Thr475Lys; replaces threonine 475 with lysine.
Molecular consequence: missense variant.
Genome position (GRCh38, 1-based): chr3:69,965,091, C>A. VCF-style: chr3-69965091-C-A. GRCh37 (hg19) VCF-style: chr3-70014242-C-A.
Other names: c.1103C>A, p.Thr368Lys (NM_000248.4); c.1250C>A, p.Thr417Lys (NM_001184967.2, NM_001354608.2); c.1421C>A, p.Thr474Lys (NM_001354605.2); c.1403C>A, p.Thr468Lys (NM_001354606.2, NM_006722.3); c.1355C>A, p.Thr452Lys (NM_001354607.2); c.1085C>A, p.Thr362Lys (NM_198158.3); c.1406C>A, p.Thr469Lys (NM_198159.3); c.1358C>A, p.Thr453Lys (NM_198177.3); and 1 more; short protein forms T306K, T475K, T362K, T452K, T469K, T368K, T417K, T453K.
Identifiers: ClinVar variation 3396347 (VCV003396347.2).

ClinVar aggregate classification (germline): Uncertain significance. Review status: criteria provided, multiple submitters, no conflicts (2 of 4 stars). 2 submissions from 2 submitters: Uncertain significance (2). Last evaluated 2026-01-26.

Conditions:
Hereditary cancer-predisposing syndrome. Also called: Hereditary Cancer Syndrome; Tumor predisposition; Hereditary neoplastic syndrome; Neoplastic Syndromes, Hereditary. Identifiers: Orphanet 140162, MedGen C0027672, MeSH D009386, MONDO:0015356.
Waardenburg syndrome type 2A (WS2A). Also called: WAARDENBURG SYNDROME WITHOUT DYSTOPIA CANTHORUM. Identifiers: Orphanet 3440, MedGen C1860339, MONDO:0008671, OMIM 193510.
Melanoma, cutaneous malignant, susceptibility to, 8. Also called: MELANOMA AND RENAL CELL CARCINOMA, SUSCEPTIBILITY TO; Cutaneous malignant melanoma 8. Identifiers: Orphanet 293822, MedGen C3152204, MONDO:0013759, OMIM 614456.
Tietz syndrome (TADS). Also called: ALBINISM-DEAFNESS OF TIETZ; HYPOPIGMENTATION/DEAFNESS OF TIETZ; TIETZ ALBINISM-DEAFNESS SYNDROME. Identifiers: Orphanet 42665, MedGen C0391816, MONDO:0007077, OMIM 103500.

gnomAD v4.1: 1 of 1,614,124 alleles (0.000062%); highest among the groups gnomAD compares: Non-Finnish European, 0.000085%; no homozygotes.

Submissions (2):

Labcorp Genetics (formerly Invitae), Labcorp
Classification: Uncertain significance for Melanoma, cutaneous malignant, susceptibility to, 8; Waardenburg syndrome type 2A; Tietz syndrome. Last evaluated: 2026-01-26. Review status: criteria provided, single submitter. Criteria: Invitae Variant Classification Sherloc (09022015). Collection method: clinical testing. Allele origin: germline.
Comment: This sequence change replaces threonine, which is neutral and polar, with lysine, which is basic and polar, at codon 368 of the MITF protein (p.Thr368Lys). This variant is not present in population databases (gnomAD no frequency). This variant has not been reported in the literature in individuals affected with MITF-related conditions. ClinVar contains an entry for this variant (Variation ID: 3396347). Invitae Evidence Modeling of protein sequence and biophysical properties (such as structural, functional, and spatial information, amino acid conservation, physicochemical variation, residue mobility, and thermodynamic stability) indicates that this missense variant is not expected to disrupt MITF protein function with a negative predictive value of 80%. In summary, the available evidence is currently insufficient to determine the role of this variant in disease. Therefore, it has been classified as a Variant of Uncertain Significance.

Ambry Genetics
Classification: Uncertain significance for Hereditary cancer-predisposing syndrome. Last evaluated: 2024-12-02. Review status: criteria provided, single submitter. Criteria: Ambry Variant Classification Scheme 2023. Collection method: clinical testing. Allele origin: germline.
Comment: The p.T368K variant (also known as c.1103C>A), located in coding exon 9 of the MITF gene, results from a C to A substitution at nucleotide position 1103. The threonine at codon 368 is replaced by lysine, an amino acid with similar properties. This amino acid position is conserved. In addition, this alteration is predicted to be tolerated by in silico analysis. Based on the available evidence, the clinical significance of this variant remains unclear.